The following is an entry in ClinVar:

ClinVar aggregate classification (germline): Uncertain significance (1 of 4 stars; one submission).

Conditions:
Cardiovascular phenotype. Identifiers: MedGen CN230736.

gnomAD v4.1: 1 of 1,338,904 alleles (0.000075%); highest among the groups gnomAD compares: Non-Finnish European, 0.000096%; no homozygotes.

Submission:

Ambry Genetics
Classification: Uncertain significance for Cardiovascular phenotype. Last evaluated: 2024-11-18. Review status: criteria provided, single submitter. Criteria: Ambry Variant Classification Scheme 2023. Collection method: clinical testing. Allele origin: germline.
Comment: The p.R107S variant (also known as c.319C>A), located in coding exon 1 of the GATA4 gene, results from a C to A substitution at nucleotide position 319. The arginine at codon 107 is replaced by serine, an amino acid with dissimilar properties. This amino acid position is conserved. In addition, the in silico prediction for this alteration is inconclusive. Based on the available evidence, the clinical significance of this variant remains unclear.

NM_001308093.3(GATA4):c.319C>A (p.Arg107Ser)

Gene: GATA4 (GATA binding protein 4). Cytogenetic location: 8p23.1.
Variant type: single nucleotide variant.
Coding change: c.319C>A on transcript NM_001308093.3 (MANE Select); coding-DNA position 319, C replaced by A.
Protein change: p.Arg107Ser; replaces arginine 107 with serine.
Molecular consequence: missense variant. On other transcripts: intron variant (3).
Genome position (GRCh38, 1-based): chr8:11,708,631, C>A. VCF-style: chr8-11708631-C-A. GRCh37 (hg19) VCF-style: chr8-11566140-C-A.
Other names: c.319C>A, p.Arg107Ser (NM_002052.5); c.-6+7853C>A (NM_001308094.2); c.-3+617C>A (NM_001374274.1); c.-3+4327C>A (NM_001374273.1); short protein forms R107S.
Identifiers: ClinVar variation 3519057 (VCV003519057.1).